The following is an entry in ClinVar:

ClinVar aggregate classification (germline): Benign/Likely benign. Review status: criteria provided, multiple submitters, no conflicts (2 of 4 stars). 3 submissions from 3 submitters: Benign (1); Likely benign (2). Last evaluated 2026-01-24.

Submissions (3):

Labcorp Genetics (formerly Invitae), Labcorp
Classification: Benign. Last evaluated: 2026-01-24. Review status: criteria provided, single submitter. Criteria: Invitae Variant Classification Sherloc (09022015). Collection method: clinical testing. Allele origin: germline.

CeGaT Center for Human Genetics Tuebingen
Classification: Likely benign. Last evaluated: 2025-11-01. Review status: criteria provided, single submitter. Criteria: CeGaT Center For Human Genetics Tuebingen Variant Classification Criteria Version 2. Collection method: clinical testing. Allele origin: germline. Affected: yes. Observed: 3 variant alleles.
Comment: COL18A1: PM4, BS2

Blueprint Genetics
Classification: Likely benign. Last evaluated: 2024-11-28. Review status: criteria provided, single submitter. Criteria: ACMG Guidelines, 2015. Collection method: clinical testing. Allele origin: germline.

NM_001379500.1(COL18A1):c.3048GCCCCCTGG[1] (p.1011PPG[3])

Genes: COL18A1 (collagen type XVIII alpha 1 chain; plus strand), SLC19A1 (solute carrier family 19 member 1; minus strand). Cytogenetic location: 21q22.3.
Variant type: Microsatellite.
Coding change: c.3048GCCCCCTGG[1] on transcript NM_001379500.1 (MANE Select); one copy of the 9-base unit GCCCCCTGG starting at c.3048; the reference has two copies in a row; one copy, 9 bases deleted.
Protein change: p.1011PPG[3].
Molecular consequence: inframe deletion.
Genome position (GRCh38, 1-based): chr21:45,505,401-45,505,409, GCCCCCTGG deleted; deleting any 9 consecutive bases within chr21:45,505,384-45,505,409 gives the same sequence; the position shown is the placement nearest the transcript's 3' end. VCF-style (leftmost placement, unchanged base first): chr21-45505383-CCCCCCTGGG-C. GRCh37 (hg19) VCF-style: chr21-46925297-CCCCCCTGGG-C.
Other names: c.3579GCCCCCTGG[1], p.1188PPG[3] (NM_030582.4); c.4284GCCCCCTGG[1], p.1423PPG[3] (NM_130444.3).
Identifiers: ClinVar variation 1167586 (VCV001167586.18), dbSNP rs571597296, ClinGen allele CA10067650.